The following is an entry in ClinVar:

NM_004006.3(DMD):c.2194C>G (p.His732Asp)

Gene: DMD (dystrophin; minus strand). Cytogenetic location: Xp21.1.
Variant type: single nucleotide variant.
Coding change: c.2194C>G on transcript NM_004006.3 (MANE Select); coding-DNA position 2194, C replaced by G.
Protein change: p.His732Asp; replaces histidine 732 with aspartic acid.
Molecular consequence: missense variant.
Genome position (GRCh38, 1-based): chrX:32,518,106, G>C on the plus strand (C>G on the coding strand, the complement: DMD is on the minus strand). VCF-style: chrX-32518106-G-C. GRCh37 (hg19) VCF-style: chrX-32536223-G-C.
Other names: c.2170C>G, p.His724Asp (NM_000109.4); c.2182C>G, p.His728Asp (NM_004009.3); c.1825C>G, p.His609Asp (NM_004010.3); short protein forms H609D, H724D, H728D, H732D.
Identifiers: ClinVar variation 1382213 (VCV001382213.6), dbSNP rs2046039786, ClinGen allele CA412664109.
Genomic context (GRCh38, chrX:32,518,106, plus strand): 5'-TCCGAAAGATTGCAAATTCAGGACTCTGCAACACAGCTTCTGAGCGAGTAATCCAGCTGT[G>C]AAGTTCAGTTATATCAACATCCAACCTAAGACAGCAAAAAATAAAAGTCATTATTTCTTG-3'
Protein context (NP_003997.2, residues 722-742): KRLDVDITEL[His732Asp]SWITRSEAVL

ClinVar aggregate classification (germline): Uncertain significance (1 of 4 stars; one submission).

Conditions:
Duchenne muscular dystrophy (DMD). Also called: MUSCULAR DYSTROPHY, PSEUDOHYPERTROPHIC PROGRESSIVE, DUCHENNE TYPE; Duchenne Muscular Dystrophy (DMD). Identifiers: Orphanet 98896, MedGen C0013264, MONDO:0010679, OMIM 310200.

Allele frequency attached by ClinVar (database versions not stated): TOPMed below 0.00001.

Submission:

Labcorp Genetics (formerly Invitae), Labcorp
Classification: Uncertain significance for Duchenne muscular dystrophy. Last evaluated: 2022-06-27. Review status: criteria provided, single submitter. Criteria: Invitae Variant Classification Sherloc (09022015). Collection method: clinical testing. Allele origin: germline.
Comment: In summary, the available evidence is currently insufficient to determine the role of this variant in disease. Therefore, it has been classified as a Variant of Uncertain Significance. This sequence change replaces histidine, which is basic and polar, with aspartic acid, which is acidic and polar, at codon 732 of the DMD protein (p.His732Asp). This variant is not present in population databases (gnomAD no frequency). This variant has not been reported in the literature in individuals affected with DMD-related conditions. Algorithms developed to predict the effect of missense changes on protein structure and function are either unavailable or do not agree on the potential impact of this missense change (SIFT: "Tolerated"; PolyPhen-2: "Possibly Damaging"; Align-GVGD: "Class C15").